The following is an entry in ClinVar:

ClinVar aggregate classification (germline): Benign. Review status: criteria provided, multiple submitters, no conflicts (2 of 4 stars). 4 submissions from 4 submitters: Benign (2). 2 of the submissions do not count toward it. Last evaluated 2019-12-31.

Conditions:
AFF2-related disorder. Also called: AFF2-related condition.

Allele frequency attached by ClinVar (database versions not stated): 1000 Genomes Project 0.02834; gnomAD exomes 0.00253 and 0.00704; ExAC 0.00935; gnomAD 0.02370 and 0.02513; TOPMed 0.02820; 1000 Genomes Project 30x 0.03059; ESP Exome Variant Server 0.03086.
gnomAD v4.1: 5,517 of 1,209,574 alleles (0.46%); highest among the groups gnomAD compares: African/African-American, 8.5%; 186 homozygotes.

Submissions (4):

Labcorp Genetics (formerly Invitae), Labcorp
Classification: Benign. Last evaluated: 2019-12-31. Review status: criteria provided, single submitter. Criteria: Invitae Variant Classification Sherloc (09022015). Collection method: clinical testing. Allele origin: germline.

Breakthrough Genomics
Classification: Benign. Review status: criteria provided, single submitter. Criteria: ACMG Guidelines, 2015. Collection method: not provided. Allele origin: germline. Inheritance: X-linked inheritance. Affected: yes.

PreventionGenetics, part of Exact Sciences
Classification: Benign for AFF2-related condition. Last evaluated: 2019-06-11. Review status: no assertion criteria provided. Collection method: clinical testing. Allele origin: germline. Not counted in ClinVar's aggregate classification.
Comment: This variant is classified as benign based on ACMG/AMP sequence variant interpretation guidelines (Richards et al. 2015 PMID: 25741868, with internal and published modifications).

Genetic Services Laboratory, University of Chicago
Classification: Likely benign for AllHighlyPenetrant. Review status: no assertion criteria provided. Collection method: clinical testing. Allele origin: germline. Inheritance: X-linked inheritance. Not counted in ClinVar's aggregate classification.
Comment: Likely benign based on allele frequency in 1000 Genomes Project or ESP global frequency and its presence in a patient with a rare or unrelated disease phenotype. NOT Sanger confirmed.

NM_002025.4(AFF2):c.1653A>G (p.Thr551=)

Gene: AFF2 (ALF transcription elongation factor 2; plus strand). Cytogenetic location: Xq28.
Variant type: single nucleotide variant.
Coding change: c.1653A>G on transcript NM_002025.4 (MANE Select); coding-DNA position 1653, A replaced by G.
Protein change: p.Thr551=; no amino-acid change (threonine 551 retained).
Molecular consequence: synonymous variant.
Genome position (GRCh38, 1-based): chrX:148,955,698, A>G. VCF-style: chrX-148955698-A-G. GRCh37 (hg19) VCF-style: chrX-148037228-A-G.
Other names: c.1554A>G, p.Thr518= (NM_001169122.2); c.1623A>G, p.Thr541= (NM_001169123.2); c.1548A>G, p.Thr516= (NM_001169124.2); c.1536A>G, p.Thr512= (NM_001169125.2); c.576A>G, p.Thr192= (NM_001170628.1).
Identifiers: ClinVar variation 128282 (VCV000128282.13), dbSNP rs16994869, ClinGen allele CA151603.